The following is an entry in ClinVar:

NM_000169.3(GLA):c.45del (p.Leu16fs)

Genes: GLA (galactosidase alpha; minus strand), RPL36A-HNRNPH2 (RPL36A-HNRNPH2 readthrough; plus strand). Cytogenetic location: Xq22.1.
Variant type: Deletion.
Coding change: c.45del on transcript NM_000169.3 (MANE Select); coding-DNA position 45, one base deleted (G; older notation c.45delG).
Protein change: p.Leu16fs; shifts the reading frame from leucine 16.
Molecular consequence: frameshift variant. On other transcripts: non-coding transcript variant (3), intron variant (2).
Genome position (GRCh38, 1-based): chrX:101,407,859, C deleted on the plus strand (G on the coding strand, the reverse complement: GLA is on the minus strand). VCF-style (leftmost placement, unchanged base first): chrX-101407858-GC-G. GRCh37 (hg19) VCF-style: chrX-100662846-GC-G.
Other names: c.45del, p.Leu16fs (NM_001406747.1, NM_001406748.1, NM_001406749.1); c.301-4077del (NM_001199973.2); c.178-4077del (NM_001199974.2); short protein forms L16fs.
Identifiers: ClinVar variation 1454738 (VCV001454738.7), dbSNP rs2147487659, ClinGen allele CA2573159128.

ClinVar aggregate classification (germline): Pathogenic. Review status: criteria provided, multiple submitters, no conflicts (2 of 4 stars). 2 submissions from 2 submitters: Pathogenic (2). Last evaluated 2026-09-08.

Conditions:
Fabry disease. Also called: GLA DEFICIENCY; HEREDITARY DYSTOPIC LIPIDOSIS; Angiokeratoma corporis diffusum; Fabry's disease; Ceramide trihexosidosis; ALPHA-GALACTOSIDASE A DEFICIENCY. Identifiers: Orphanet 324, MedGen C0002986, MONDO:0010526, OMIM 301500, HP:0001071. Disease mechanism: Fabry disease is due to inactivating mutations in the X-linked GLA gene resulting in deficiency of the enzyme Alpha Galactosidase-A., loss of function.

Submissions (2):

Genomenon, Inc
Classification: Pathogenic for Fabry disease. Last evaluated: 2026-09-08. Review status: criteria provided, single submitter. Criteria: Genomenon Sequence Variant Interpretation Standards - Updated. Collection method: curation. Allele origin: germline. Affected: yes.
Comment: GLA p.Leu16PhefsTer105 (c.45del) is a frameshift variant that is predicted to introduce a premature termination codon and result in a truncated or absent protein product. This variant has been observed in at least one proband with clinical features consistent with Fabry disease (PMID:37940383). It is absent or not present at a significant frequency in gnomAD. In conclusion, we classify GLA p.Leu16PhefsTer105 (c.45del) as a pathogenic variant.

Labcorp Genetics (formerly Invitae), Labcorp
Classification: Pathogenic for Fabry disease. Last evaluated: 2021-10-10. Review status: criteria provided, single submitter. Criteria: Invitae Variant Classification Sherloc (09022015). Collection method: clinical testing. Allele origin: germline.
Comment: For these reasons, this variant has been classified as Pathogenic. This variant has not been reported in the literature in individuals affected with GLA-related conditions. This variant is not present in population databases (ExAC no frequency). This sequence change creates a premature translational stop signal (p.Leu16Phefs*105) in the GLA gene. It is expected to result in an absent or disrupted protein product. Loss-of-function variants in GLA are known to be pathogenic (PMID: 10666480, 12175777).

Literature cited by the submitters: PubMed 37940383 (cited by Genomenon, Inc); PubMed 10666480 (cited by Labcorp Genetics (formerly Invitae), Labcorp); PubMed 12175777 (cited by Labcorp Genetics (formerly Invitae), Labcorp).